The following is an entry in ClinVar:

NM_000180.4(GUCY2D):c.3125G>A (p.Arg1042His)

Gene: GUCY2D (guanylate cyclase 2D, retinal; plus strand). Cytogenetic location: 17p13.1.
Variant type: single nucleotide variant.
Coding change: c.3125G>A on transcript NM_000180.4 (MANE Select); coding-DNA position 3125, G replaced by A.
Protein change: p.Arg1042His; replaces arginine 1042 with histidine.
Molecular consequence: missense variant.
Genome position (GRCh38, 1-based): chr17:8,016,008, G>A. VCF-style: chr17-8016008-G-A. GRCh37 (hg19) VCF-style: chr17-7919326-G-A.
Other names: short protein forms R1042H.
Identifiers: ClinVar variation 2934812 (VCV002934812.3), dbSNP rs775044013, ClinGen allele CA287534544.

ClinVar aggregate classification (germline): Uncertain significance (1 of 4 stars; one submission).

Conditions:
Cone-rod dystrophy 6 (CORD6). Also called: RETINAL CONE DYSTROPHY 2; Cone dystrophy progressive. Identifiers: Orphanet 1872, MedGen C1866293, MONDO:0011143, OMIM 601777.
Leber congenital amaurosis 1 (LCA1). Also called: RETINAL BLINDNESS, CONGENITAL; AMAUROSIS CONGENITA OF LEBER I; Congenital absence of the rods and cones; Leber's congenital tapetoretinal degeneration; Leber's congenital tapetoretinal dysplasia. Identifiers: Orphanet 65, MedGen C2931258, MONDO:0008764, OMIM 204000.

Allele frequency attached by ClinVar (database versions not stated): TOPMed below 0.00001.
gnomAD v4.1: 5 of 1,606,842 alleles (0.00031%); highest among the groups gnomAD compares: East Asian, 0.0022%; no homozygotes.

Submission:

Labcorp Genetics (formerly Invitae), Labcorp
Classification: Uncertain significance for Leber congenital amaurosis 1; Cone-rod dystrophy 6. Last evaluated: 2023-10-14. Review status: criteria provided, single submitter. Criteria: Invitae Variant Classification Sherloc (09022015). Collection method: clinical testing. Allele origin: germline.
Comment: This sequence change replaces arginine, which is basic and polar, with histidine, which is basic and polar, at codon 1042 of the GUCY2D protein (p.Arg1042His). This variant is not present in population databases (gnomAD no frequency). This variant has not been reported in the literature in individuals affected with GUCY2D-related conditions. Advanced modeling of protein sequence and biophysical properties (such as structural, functional, and spatial information, amino acid conservation, physicochemical variation, residue mobility, and thermodynamic stability) performed at Invitae indicates that this missense variant is not expected to disrupt GUCY2D protein function. In summary, the available evidence is currently insufficient to determine the role of this variant in disease. Therefore, it has been classified as a Variant of Uncertain Significance.